The following is an entry in ClinVar:

NM_032520.5(GNPTG):c.477C>T (p.Tyr159=)

Gene: GNPTG (N-acetylglucosamine-1-phosphate transferase subunit gamma; plus strand). Cytogenetic location: 16p13.3.
Variant type: single nucleotide variant.
Coding change: c.477C>T on transcript NM_032520.5 (MANE Select); coding-DNA position 477, C replaced by T.
Protein change: p.Tyr159=; no amino-acid change (tyrosine 159 retained).
Molecular consequence: synonymous variant.
Genome position (GRCh38, 1-based): chr16:1,362,271, C>T. VCF-style: chr16-1362271-C-T. GRCh37 (hg19) VCF-style: chr16-1412272-C-T.
Identifiers: ClinVar variation 765077 (VCV000765077.14), dbSNP rs201168011, ClinGen allele CA7807718.

ClinVar aggregate classification (germline): Benign/Likely benign. Review status: criteria provided, multiple submitters, no conflicts (2 of 4 stars). 4 submissions from 4 submitters: Benign (1); Likely benign (2). 1 of the submissions does not count toward it. Last evaluated 2026-08-18.

Conditions:
GNPTG-mucolipidosis. Also called: MUCOLIPIDOSIS III, COMPLEMENTATION GROUP C; MUCOLIPIDOSIS III, IRANIAN VARIANT FORM; MUCOLIPIDOSIS III, VARIANT FORM; ML III GAMMA; ML IIIC; Mucolipidosis type III gamma. Identifiers: Orphanet 423470, Orphanet 577, MedGen C1854896, MONDO:0009652, OMIM 252605.
GNPTG-related disorder. Also called: GNPTG-related condition.

Allele frequency attached by ClinVar (database versions not stated): gnomAD exomes 0.00009 and 0.00011; ExAC 0.00013; ESP Exome Variant Server 0.00023; TOPMed 0.00045; gnomAD 0.00047 and 0.00050; 1000 Genomes Project 0.00060; 1000 Genomes Project 30x 0.00062.
gnomAD v4.1: 201 of 1,613,502 alleles (0.012%); highest among the groups gnomAD compares: African/African-American, 0.11%; no homozygotes.

Submissions (4):

PreventionGenetics, part of Exact Sciences
Classification: Likely benign for GNPTG-related condition. Last evaluated: 2026-08-18. Review status: criteria provided, single submitter. Criteria: ACMG Guidelines, 2015. Collection method: clinical testing. Allele origin: germline.
Comment: This variant is classified as likely benign based on ACMG/AMP sequence variant interpretation guidelines (Richards et al. 2015 PMID: 25741868, with internal and published modifications).

Labcorp Genetics (formerly Invitae), Labcorp
Classification: Benign. Last evaluated: 2026-01-12. Review status: criteria provided, single submitter. Criteria: Invitae Variant Classification Sherloc (09022015). Collection method: clinical testing. Allele origin: germline.

Blueprint Genetics
Classification: Likely benign. Last evaluated: 2024-09-10. Review status: criteria provided, single submitter. Criteria: ACMG Guidelines, 2015. Collection method: clinical testing. Allele origin: germline.

Natera, Inc.
Classification: Likely benign for Mucolipidosis III gamma. Last evaluated: 2019-12-13. Review status: no assertion criteria provided. Collection method: clinical testing. Allele origin: germline. Not counted in ClinVar's aggregate classification.